The following is an entry in ClinVar:

ClinVar aggregate classification (germline): Pathogenic (1 of 4 stars; one submission).

Conditions:
Catecholaminergic polymorphic ventricular tachycardia 1. Also called: VENTRICULAR TACHYCARDIA, CATECHOLAMINERGIC POLYMORPHIC, 1, WITH OR WITHOUT ATRIAL DYSFUNCTION AND/OR DILATED CARDIOMYOPATHY; RYR2-Related Catecholaminergic Polymorphic Ventricular Tachycardia; VENTRICULAR TACHYCARDIA, STRESS-INDUCED POLYMORPHIC 1. Identifiers: Orphanet 3286, MedGen C1631597, MONDO:0011484, OMIM 604772.

Submission:

Labcorp Genetics (formerly Invitae), Labcorp
Classification: Pathogenic for Catecholaminergic polymorphic ventricular tachycardia 1. Last evaluated: 2023-10-24. Review status: criteria provided, single submitter. Criteria: Invitae Variant Classification Sherloc (09022015). Collection method: clinical testing. Allele origin: germline.
Comment: This sequence change replaces glycine, which is neutral and non-polar, with arginine, which is basic and polar, at codon 4825 of the RYR2 protein (p.Gly4825Arg). This variant is not present in population databases (gnomAD no frequency). This missense change has been observed in individual(s) with clinical features of autosomal dominant RYR2-related conditions (Invitae). In at least one individual the variant was observed to be de novo. Advanced modeling of protein sequence and biophysical properties (such as structural, functional, and spatial information, amino acid conservation, physicochemical variation, residue mobility, and thermodynamic stability) performed at Invitae indicates that this missense variant is expected to disrupt RYR2 protein function with a positive predictive value of 95%. For these reasons, this variant has been classified as Pathogenic.

NM_001035.3(RYR2):c.14473G>A (p.Gly4825Arg)

Gene: RYR2 (ryanodine receptor 2; plus strand). Cytogenetic location: 1q43.
Variant type: single nucleotide variant.
Coding change: c.14473G>A on transcript NM_001035.3 (MANE Select); coding-DNA position 14473, G replaced by A.
Protein change: p.Gly4825Arg; replaces glycine 4825 with arginine.
Molecular consequence: missense variant.
Genome position (GRCh38, 1-based): chr1:237,819,075, G>A. VCF-style: chr1-237819075-G-A. GRCh37 (hg19) VCF-style: chr1-237982375-G-A.
Other names: short protein forms G4825R.
Identifiers: ClinVar variation 2920176 (VCV002920176.3), dbSNP rs2528295554, ClinGen allele CA345426100.